The following is an entry in ClinVar:

NC_012920.1(MT-TS2):m.12241dup

Gene: MT-TS2 (mitochondrially encoded tRNA serine 2 (AGU/C); plus strand).
Variant type: Duplication.
Genome position: chrM-12236-G-GC.
Identifiers: ClinVar variation 690170 (VCV000690170.1), dbSNP rs1603223633, ClinGen allele CA915952145.

ClinVar aggregate classification (germline): Uncertain significance (1 of 4 stars; one submission).

Conditions:
MELAS syndrome (MELAS). Also called: Juvenile myopathy, encephalopathy, lactic acidosis, stroke. Identifiers: Orphanet 550, MedGen C0162671, MONDO:0010789, OMIM 540000.

Submission:

Wong Mito Lab, Molecular and Human Genetics, Baylor College of Medicine
Classification: Uncertain significance for MELAS syndrome. Last evaluated: 2019-07-12. Review status: criteria provided, single submitter. Criteria: Modified ACMG Guidelines (Unpublished). Collection method: clinical testing. Allele origin: germline.
Comment: The NC_012920.1:m.12241dupC variant in MT-TS2 gene is interpreted to be a Unknown Significance variant based on the modified ACMG guidelines (unpublished). This variant meets the following evidence codes reported in the guidelines: BP6

Literature cited by the submitters: PubMed 31965079.